The following is an entry in ClinVar:

NM_170784.3(MKKS):c.172_175dup (p.Gln59fs)

Gene: MKKS (MKKS centrosomal shuttling protein; minus strand). Cytogenetic location: 20p12.2.
Variant type: Duplication.
Coding change: c.172_175dup on transcript NM_170784.3 (MANE Select); coding-DNA positions 172 to 175, 4 bases duplicated (TCAC; older notation c.172_175dupTCAC).
Protein change: p.Gln59fs; shifts the reading frame from glutamine 59.
Molecular consequence: frameshift variant.
Genome position (GRCh38, 1-based): chr20:10,413,340-10,413,343, GTGA duplicated on the plus strand (TCAC on the coding strand, the reverse complement: MKKS is on the minus strand); duplicating any 4 consecutive bases within chr20:10,413,340-10,413,344 gives the same sequence; the c. name uses the placement nearest the transcript's 3' end. VCF-style (leftmost placement, unchanged base first): chr20-10413339-T-TGTGA. GRCh37 (hg19) VCF-style: chr20-10393987-T-TGTGA.
Other names: c.172_175dup, p.Gln59fs (NM_018848.3); c.172_175dupTCAC (NM_018848.3); short protein forms Q59fs.
Identifiers: ClinVar variation 642430 (VCV000642430.1), dbSNP rs1600849412, ClinGen allele CA915953095.

ClinVar aggregate classification (germline): Pathogenic (1 of 4 stars; one submission).

Conditions:
Bardet-Biedl syndrome (BBS). Identifiers: Orphanet 110, MedGen C0752166, MONDO:0015229.
McKusick-Kaufman syndrome (MKKS). Also called: HYDROMETROCOLPOS SYNDROME; HYDROMETROCOLPOS, POSTAXIAL POLYDACTYLY, AND CONGENITAL HEART MALFORMATION. Identifiers: Orphanet 2473, MedGen C0948368, MONDO:0009367, OMIM 236700.

Submission:

Labcorp Genetics (formerly Invitae), Labcorp
Classification: Pathogenic for McKusick Kaufman syndrome; Bardet-Biedl syndrome. Last evaluated: 2018-08-08. Review status: criteria provided, single submitter. Criteria: Invitae Variant Classification Sherloc (09022015). Collection method: clinical testing. Allele origin: germline.
Comment: This sequence change creates a premature translational stop signal (p.Gln59Leufs*33) in the MKKS gene. It is expected to result in an absent or disrupted protein product. This variant is not present in population databases (ExAC no frequency). This variant has not been reported in the literature in individuals with MKKS-related disease. Loss-of-function variants in MKKS are known to be pathogenic (PMID: 12107442, 20177705). For these reasons, this variant has been classified as Pathogenic.